The following is an entry in ClinVar:

ClinVar aggregate classification (germline): Likely benign. Review status: criteria provided, multiple submitters, no conflicts (2 of 4 stars). 3 submissions from 3 submitters: Likely benign (2). 1 of the submissions does not count toward it. Last evaluated 2025-12-08.

Conditions:
CFAP418-related disorder. Also called: CFAP418-related condition.

Allele frequency attached by ClinVar (database versions not stated): gnomAD exomes 0.00007 and 0.00020; ExAC 0.00026; 1000 Genomes Project 30x 0.00031; 1000 Genomes Project 0.00040; gnomAD 0.00076 and 0.00078; ESP Exome Variant Server 0.00077; TOPMed 0.00090.

Submissions (3):

Labcorp Genetics (formerly Invitae), Labcorp
Classification: Likely benign. Last evaluated: 2025-12-08. Review status: criteria provided, single submitter. Criteria: Invitae Variant Classification Sherloc (09022015). Collection method: clinical testing. Allele origin: germline.

Blueprint Genetics
Classification: Likely benign. Last evaluated: 2024-08-09. Review status: criteria provided, single submitter. Criteria: ACMG Guidelines, 2015. Collection method: clinical testing. Allele origin: germline.

PreventionGenetics, part of Exact Sciences
Classification: Likely benign for CFAP418-related condition. Last evaluated: 2022-01-19. Review status: no assertion criteria provided. Collection method: clinical testing. Allele origin: germline. Not counted in ClinVar's aggregate classification.
Comment: This variant is classified as likely benign based on ACMG/AMP sequence variant interpretation guidelines (Richards et al. 2015 PMID: 25741868, with internal and published modifications).

NM_177965.4(CFAP418):c.436A>C (p.Met146Leu)

Gene: CFAP418 (cilia and flagella associated protein 418; minus strand). Cytogenetic location: 8q22.1.
Variant type: single nucleotide variant.
Coding change: c.436A>C on transcript NM_177965.4 (MANE Select); coding-DNA position 436, A replaced by C.
Protein change: p.Met146Leu; replaces methionine 146 with leucine.
Molecular consequence: missense variant. On other transcripts: intron variant (1).
Genome position (GRCh38, 1-based): chr8:95,252,222, T>G on the plus strand (A>C on the coding strand, the complement: CFAP418 is on the minus strand). VCF-style: chr8-95252222-T-G. GRCh37 (hg19) VCF-style: chr8-96264450-T-G.
Other names: c.375-4452A>C (NM_001363260.1); c.436A>C (NM_177965.3); short protein forms M146L.
Identifiers: ClinVar variation 1135365 (VCV001135365.13), dbSNP rs114081072, ClinGen allele CA4815141.